The following is an entry in ClinVar:

NM_000501.4(ELN):c.134-3C>T

Gene: ELN (elastin; plus strand). Cytogenetic location: 7q11.23.
Variant type: single nucleotide variant.
Coding change: c.134-3C>T on transcript NM_000501.4 (MANE Select); 3 bases into the intron before coding-DNA position 134, C replaced by T.
Molecular consequence: intron variant.
Genome position (GRCh38, 1-based): chr7:74,036,552, C>T. VCF-style: chr7-74036552-C-T. GRCh37 (hg19) VCF-style: chr7-73450882-C-T.
Other names: c.134-3C>T (NM_001081754.3, NM_001081753.3, NM_001278939.2 and 5 more transcripts); c.133+1138C>T (NM_001278914.2, NM_001278917.2, NM_001081752.3 and 1 more transcripts).
Identifiers: ClinVar variation 3615706 (VCV003615706.2).

ClinVar aggregate classification (germline): Uncertain significance (1 of 4 stars; one submission).

Conditions:
Supravalvar aortic stenosis (SVAS). Also called: Supravalvar aortic stenosis, Eisenberg type. Identifiers: Orphanet 3193, MedGen C0003499, MONDO:0008504, OMIM 185500, HP:0004381.

gnomAD v4.1: 1 of 1,614,072 alleles (0.000062%); highest among the groups gnomAD compares: South Asian, 0.0011%; no homozygotes.

Submission:

Labcorp Genetics (formerly Invitae), Labcorp
Classification: Uncertain significance for Supravalvar aortic stenosis. Last evaluated: 2024-11-18. Review status: criteria provided, single submitter. Criteria: Invitae Variant Classification Sherloc (09022015). Collection method: clinical testing. Allele origin: germline.
Comment: This sequence change falls in intron 2 of the ELN gene. It does not directly change the encoded amino acid sequence of the ELN protein. It affects a nucleotide within the consensus splice site. This variant is not present in population databases (gnomAD no frequency). This variant has not been reported in the literature in individuals affected with ELN-related conditions. Variants that disrupt the consensus splice site are a relatively common cause of aberrant splicing (PMID: 17576681, 9536098). Algorithms developed to predict the effect of sequence changes on RNA splicing suggest that this variant is not likely to affect RNA splicing. In summary, the available evidence is currently insufficient to determine the role of this variant in disease. Therefore, it has been classified as a Variant of Uncertain Significance.

Literature cited by the submitters: PubMed 17576681; PubMed 9536098.